The following is an entry in ClinVar:

NM_002900.3(RBP3):c.1141G>C (p.Glu381Gln)

Gene: RBP3 (retinol binding protein 3; plus strand). Cytogenetic location: 10q11.22.
Variant type: single nucleotide variant.
Coding change: c.1141G>C on transcript NM_002900.3 (MANE Select); coding-DNA position 1141, G replaced by C.
Protein change: p.Glu381Gln; replaces glutamic acid 381 with glutamine.
Molecular consequence: missense variant.
Genome position (GRCh38, 1-based): chr10:47,349,625, G>C. VCF-style: chr10-47349625-G-C. GRCh37 (hg19) VCF-style: chr10-48389737-C-G.
Other names: short protein forms E381Q.
Identifiers: ClinVar variation 299988 (VCV000299988.35), dbSNP rs139299230, ClinGen allele CA5487597.

ClinVar aggregate classification (germline): Conflicting classifications of pathogenicity. Review status: criteria provided, conflicting classifications (1 of 4 stars). 7 submissions from 7 submitters: Uncertain significance (5); Likely benign (1). 1 of the submissions does not count toward it. Last evaluated 2026-01-19.

Conditions:
Retinal dystrophy. Also called: Inherited retinal dystrophy. Identifiers: Orphanet 71862, MedGen C0854723, MeSH D058499, MONDO:0019118, HP:0000556.
Inborn genetic diseases. Identifiers: MedGen C0950123, MeSH D030342.
Retinitis pigmentosa (RP). Identifiers: Orphanet 791, MedGen C0035334, MeSH D012174, MONDO:0019200, OMIM 268000. Inheritance: Autosomal dominant, autosomal recessive and X linked inheritance.

Allele frequency attached by ClinVar (database versions not stated): ESP Exome Variant Server 0.00023; gnomAD exomes 0.00030; TOPMed 0.00032; ExAC 0.00033; gnomAD 0.00055.

Submissions (7):

Labcorp Genetics (formerly Invitae), Labcorp
Classification: Uncertain significance. Last evaluated: 2026-01-19. Review status: criteria provided, single submitter. Criteria: Invitae Variant Classification Sherloc (09022015). Collection method: clinical testing. Allele origin: germline.
Comment: This sequence change replaces glutamic acid, which is acidic and polar, with glutamine, which is neutral and polar, at codon 381 of the RBP3 protein (p.Glu381Gln). This variant is present in population databases (rs139299230, gnomAD 0.09%), and has an allele count higher than expected for a pathogenic variant. This variant has not been reported in the literature in individuals affected with RBP3-related conditions. ClinVar contains an entry for this variant (Variation ID: 299988). An algorithm developed to predict the effect of missense changes on protein structure and function outputs the following: PolyPhen-2: "Possibly Damaging". The glutamine amino acid residue is found in multiple mammalian species, which suggests that this missense change does not adversely affect protein function. In summary, the available evidence is currently insufficient to determine the role of this variant in disease. Therefore, it has been classified as a Variant of Uncertain Significance.

Blueprint Genetics
Classification: Likely benign. Last evaluated: 2024-11-19. Review status: criteria provided, single submitter. Criteria: ACMG Guidelines, 2015. Collection method: clinical testing. Allele origin: germline.

CeGaT Center for Human Genetics Tuebingen
Classification: Uncertain significance. Last evaluated: 2024-01-01. Review status: criteria provided, single submitter. Criteria: CeGaT Center For Human Genetics Tuebingen Variant Classification Criteria Version 2. Collection method: clinical testing. Allele origin: germline. Affected: yes. Observed: 1 variant allele.

Ambry Genetics
Classification: Uncertain significance for Inborn genetic diseases. Last evaluated: 2021-09-16. Review status: criteria provided, single submitter. Criteria: Ambry Variant Classification Scheme 2023. Collection method: clinical testing. Allele origin: germline.

Illumina Laboratory Services, Illumina
Classification: Uncertain significance for Retinitis pigmentosa. Last evaluated: 2018-01-12. Review status: criteria provided, single submitter. Criteria: ICSL Variant Classification Criteria 13 December 2019. Collection method: clinical testing. Allele origin: germline.

GeneDx
Classification: Uncertain significance. Last evaluated: 2017-07-06. Review status: criteria provided, single submitter. Criteria: GeneDx Variant Classification (06012015). Collection method: clinical testing. Allele origin: germline. Affected: yes.
Comment: The E381Q variant in the RBP3 gene has not been reported previously as a pathogenic variant, nor as a benign variant, to our knowledge. Although not present in the homozygous state, the E381Q variant is observed in 35/64528 (0.05%) alleles from individuals of non-Finnish European background in the ExAC dataset (Lek et al., 2016). The E381Q variant is a semi-conservative amino acid substitution, which may impact secondary protein structure as these residues differ in some properties. This substitution occurs at a position that is conserved in mammals. In silico analysis is inconsistent in its predictions as to whether or not the variant is damaging to the protein structure/function. We interpret E381Q as a variant of uncertain significance.

Institute of Human Genetics, Univ. Regensburg, Univ. Regensburg
Classification: Uncertain significance for Retinal dystrophy. Last evaluated: 2022-01-01. Review status: no assertion criteria provided. Criteria: ACMG Guidelines, 2015. Collection method: clinical testing. Allele origin: germline. Affected: yes. Not counted in ClinVar's aggregate classification.